The following is an entry in ClinVar:

ClinVar aggregate classification (germline): Pathogenic/Likely pathogenic. Review status: criteria provided, multiple submitters, no conflicts (2 of 4 stars). 2 submissions from 2 submitters: Pathogenic (1); Likely pathogenic (1). Last evaluated 2025-09-18.

Conditions:
Xeroderma pigmentosum, group F (XPF). Also called: XERODERMA PIGMENTOSUM, COMPLEMENTATION GROUP F; ERCC4-Related Xeroderma Pigmentosum; XERODERMA PIGMENTOSUM, TYPE F; Xeroderma pigmentosum, type 6; XERODERMA PIGMENTOSUM VI; XP, GROUP F. Identifiers: MedGen C0268140, MONDO:0010215, OMIM 278760.
XFE progeroid syndrome (XFEPS). Also called: XPF-ERCC1 PROGEROID SYNDROME. Identifiers: MedGen C1970416, MONDO:0012590, OMIM 610965.
Fanconi anemia complementation group Q. Identifiers: Orphanet 84, MedGen C3808988, MONDO:0014108, OMIM 615272.
Cockayne syndrome. Identifiers: Orphanet 191, MedGen C0009207, MONDO:0016006.

gnomAD v4.1: 24 of 1,614,026 alleles (0.0015%); highest among the groups gnomAD compares: Middle Eastern, 0.016%; no homozygotes.

Submissions (2):

Labcorp Genetics (formerly Invitae), Labcorp
Classification: Pathogenic for Fanconi anemia complementation group Q; Xeroderma pigmentosum, group F; Cockayne syndrome. Last evaluated: 2025-09-18. Review status: criteria provided, single submitter. Criteria: Invitae Variant Classification Sherloc (09022015). Collection method: clinical testing. Allele origin: germline.
Comment: This sequence change creates a premature translational stop signal (p.Arg772*) in the ERCC4 gene. While this is not anticipated to result in nonsense mediated decay, it is expected to disrupt the last 145 amino acid(s) of the ERCC4 protein. This variant is present in population databases (rs150920741, gnomAD 0.0009%). This premature translational stop signal has been observed in individual(s) with congenital heart disease (PMID: 33084842). This variant disrupts a region of the ERCC4 protein in which other variant(s) (p.Arg799Trp) have been determined to be pathogenic (PMID: 9579555, 20221251, 21612988, 29403087, 29892709). This suggests that this is a clinically significant region of the protein, and that variants that disrupt it are likely to be disease-causing. For these reasons, this variant has been classified as Pathogenic.

First Genomix Gene Laboratory, Genetic Diagnostics Department
Classification: Likely pathogenic for Fanconi anemia complementation group Q; Xeroderma pigmentosum, group F; XFE progeroid syndrome. Last evaluated: 2025-05-20. Review status: criteria provided, single submitter. Criteria: ACMG Guidelines, 2015. Collection method: clinical testing. Allele origin: germline. Inheritance: Autosomal recessive inheritance. Affected: no. Observed: 1 variant allele.

Literature cited by the submitters: PubMed 33084842 (cited by Labcorp Genetics (formerly Invitae), Labcorp); PubMed 9579555 (cited by Labcorp Genetics (formerly Invitae), Labcorp); PubMed 20221251 (cited by Labcorp Genetics (formerly Invitae), Labcorp); PubMed 21612988 (cited by Labcorp Genetics (formerly Invitae), Labcorp); PubMed 29403087 (cited by Labcorp Genetics (formerly Invitae), Labcorp); PubMed 29892709 (cited by Labcorp Genetics (formerly Invitae), Labcorp).

NM_005236.3(ERCC4):c.2314C>T (p.Arg772Ter)

Gene: ERCC4 (ERCC excision repair 4, endonuclease catalytic subunit; plus strand). Cytogenetic location: 16p13.12.
Variant type: single nucleotide variant.
Coding change: c.2314C>T on transcript NM_005236.3 (MANE Select); coding-DNA position 2314, C replaced by T.
Protein change: p.Arg772Ter; replaces arginine 772 with a stop codon.
Molecular consequence: nonsense.
Genome position (GRCh38, 1-based): chr16:13,947,910, C>T. VCF-style: chr16-13947910-C-T. GRCh37 (hg19) VCF-style: chr16-14041767-C-T.
Other names: short protein forms R772*.
Identifiers: ClinVar variation 4783059 (VCV004783059.2).